The following is an entry in ClinVar:

NM_013275.6(ANKRD11):c.786G>C (p.Gln262His)

Gene: ANKRD11 (ankyrin repeat domain 11; minus strand). Cytogenetic location: 16q24.3.
Variant type: single nucleotide variant.
Coding change: c.786G>C on transcript NM_013275.6 (MANE Select); coding-DNA position 786, G replaced by C.
Protein change: p.Gln262His; replaces glutamine 262 with histidine.
Molecular consequence: missense variant.
Genome position (GRCh38, 1-based): chr16:89,286,145, C>G on the plus strand (G>C on the coding strand, the complement: ANKRD11 is on the minus strand). VCF-style: chr16-89286145-C-G. GRCh37 (hg19) VCF-style: chr16-89352553-C-G.
Other names: c.786G>C, p.Gln262His (NM_001256182.2, NM_001256183.2); short protein forms Q262H.
Identifiers: ClinVar variation 2112495 (VCV002112495.4), dbSNP rs2544252007, ClinGen allele CA397166462.

ClinVar aggregate classification (germline): Uncertain significance (1 of 4 stars; one submission).

Conditions:
KBG syndrome (KBGS). Also called: ANKRD11-Related KBG Syndrome. Identifiers: Orphanet 2332, MedGen C0220687, MONDO:0007846, OMIM 148050.

Submission:

Labcorp Genetics (formerly Invitae), Labcorp
Classification: Uncertain significance for KBG syndrome. Last evaluated: 2024-10-24. Review status: criteria provided, single submitter. Criteria: Invitae Variant Classification Sherloc (09022015). Collection method: clinical testing. Allele origin: germline.
Comment: This sequence change replaces glutamine, which is neutral and polar, with histidine, which is basic and polar, at codon 262 of the ANKRD11 protein (p.Gln262His). This variant is not present in population databases (gnomAD no frequency). This variant has not been reported in the literature in individuals affected with ANKRD11-related conditions. ClinVar contains an entry for this variant (Variation ID: 2112495). Invitae Evidence Modeling of protein sequence and biophysical properties (such as structural, functional, and spatial information, amino acid conservation, physicochemical variation, residue mobility, and thermodynamic stability) has been performed for this missense variant. However, the output from this modeling did not meet the statistical confidence thresholds required to predict the impact of this variant on ANKRD11 protein function. In summary, the available evidence is currently insufficient to determine the role of this variant in disease. Therefore, it has been classified as a Variant of Uncertain Significance.